The following is an entry in ClinVar:

ClinVar aggregate classification (germline): Uncertain significance. Review status: criteria provided, single submitter (1 of 4 stars). 3 submissions from 2 submitters: Uncertain significance (2). 1 of the submissions does not count toward it.

Conditions:
Maturity-onset diabetes of the young (MODY). Also called: Maturity onset diabetes mellitus in young. Identifiers: Orphanet 552, MedGen C0342276, MONDO:0018911, HP:0004904.
Transitory neonatal diabetes mellitus. Also called: Transient neonatal diabetes mellitus. Identifiers: MedGen C0342273, MONDO:0020525, HP:0008255.
Hereditary hyperinsulinism.

Allele frequency attached by ClinVar (database versions not stated): TOPMed below 0.00001; gnomAD 0.00001.
gnomAD v4.1: 1 of 1,609,540 alleles (0.000062%); highest among the groups gnomAD compares: Admixed American, 0.0017%; no homozygotes.

Submissions (3):

Clinical Genomics, Uppaluri K&H Personalized Medicine Clinic
Classification: Uncertain significance for Maturity-onset diabetes of the young. Review status: criteria provided, single submitter. Criteria: K & H Uppaluri Personalized Medicine Clinic Variant Classification & Assertion Criteria_Updated V.1. Collection method: research. Allele origin: unknown. Inheritance: Somatic mutation.
Comment: Mutations in ABCC8 gene are associated with both neonatal diabetes mellitus as well as MODY. Patients with this mutation may have a better response to sulfonylureas. However, no sufficient evidence is found to ascertain the role of this particular variant ( rs1954870052) in MODY yet.

Clinical Genomics, Uppaluri K&H Personalized Medicine Clinic
Classification: Uncertain significance for Transitory neonatal diabetes mellitus. Review status: criteria provided, single submitter. Criteria: K & H Uppaluri Personalized Medicine Clinic Variant Classification & Assertion Criteria_Updated V.1. Collection method: research. Allele origin: unknown. Inheritance: Somatic mutation.
Comment: Mutations in ABCC8 gene are associated with both neonatal diabetes mellitus as well as MODY. Patients with this mutation may have a better response to sulfonylureas. However, no sufficient evidence is found to ascertain the role of this particular variant ( rs1954870052) in neonatal diabetes yet.

Natera, Inc.
Classification: Uncertain significance for Hereditary hyperinsulinism. Last evaluated: 2020-04-10. Review status: no assertion criteria provided. Collection method: clinical testing. Allele origin: germline. Not counted in ClinVar's aggregate classification.

Literature cited by the submitters: PubMed 16885549 (cited by Clinical Genomics, Uppaluri K&H Personalized Medicine Clinic); PubMed 21989597 (cited by Clinical Genomics, Uppaluri K&H Personalized Medicine Clinic); PubMed 27538677 (cited by Clinical Genomics, Uppaluri K&H Personalized Medicine Clinic); PubMed 18981553 (cited by Clinical Genomics, Uppaluri K&H Personalized Medicine Clinic); PubMed 32027066 (cited by Clinical Genomics, Uppaluri K&H Personalized Medicine Clinic); PubMed 16613899 (cited by Clinical Genomics, Uppaluri K&H Personalized Medicine Clinic); PubMed 18025408 (cited by Clinical Genomics, Uppaluri K&H Personalized Medicine Clinic); PubMed 32792356 (cited by Clinical Genomics, Uppaluri K&H Personalized Medicine Clinic).

NM_000352.6(ABCC8):c.2556+9A>C

Gene: ABCC8 (ATP binding cassette subfamily C member 8; minus strand). Cytogenetic location: 11p15.1.
Variant type: single nucleotide variant.
Coding change: c.2556+9A>C on transcript NM_000352.6 (MANE Select); 9 bases into the intron after coding-DNA position 2556, A replaced by C.
Molecular consequence: intron variant.
Genome position (GRCh38, 1-based): chr11:17,412,657, T>G on the plus strand (A>C on the coding strand, the complement: ABCC8 is on the minus strand). VCF-style: chr11-17412657-T-G. GRCh37 (hg19) VCF-style: chr11-17434204-T-G.
Other names: c.2553+9A>C (NM_001351297.2); c.2556+9A>C (NM_001351296.2); c.2622+9A>C (NM_001351295.2); c.2559+9A>C (NM_001287174.3).
Identifiers: ClinVar variation 990400 (VCV000990400.2), dbSNP rs1954870052, ClinGen allele CA935532120.